The following is an entry in ClinVar:

ClinVar aggregate classification (germline): Pathogenic. Review status: criteria provided, single submitter (1 of 4 stars). 4 submissions from 4 submitters: Pathogenic (1). 3 of the submissions do not count toward it. Last evaluated 2022-01-11.

Conditions:
Thrombophilia due to protein C deficiency, autosomal dominant. Also called: PROC DEFICIENCY, AUTOSOMAL DOMINANT; PROTEIN C DEFICIENCY, AUTOSOMAL DOMINANT. Identifiers: Orphanet 745, MedGen C2674321, MONDO:0008316, OMIM 176860. Disease mechanism: loss of function.

Allele frequency attached by ClinVar (database versions not stated): gnomAD exomes below 0.00001 and 0.00001; ExAC 0.00001; TOPMed 0.00001.
gnomAD v4.1: 7 of 1,613,924 alleles (0.00043%); highest among the groups gnomAD compares: African/African-American, 0.0013%; no homozygotes.

Submissions (4):

Labcorp Genetics (formerly Invitae), Labcorp
Classification: Pathogenic for Thrombophilia due to protein C deficiency, autosomal dominant. Last evaluated: 2022-01-11. Review status: criteria provided, single submitter. Criteria: Invitae Variant Classification Sherloc (09022015). Collection method: clinical testing. Allele origin: germline.
Comment: For these reasons, this variant has been classified as Pathogenic. This variant disrupts a region of the PROC protein in which other variant(s) (p.Pro405Alafs*20) have been determined to be pathogenic (PMID: 7670104, 25039884, 29356699). This suggests that this is a clinically significant region of the protein, and that variants that disrupt it are likely to be disease-causing. ClinVar contains an entry for this variant (Variation ID: 656). This premature translational stop signal has been observed in individual(s) with autosomal dominant protein C deficiency and autosomal recessive purpura fulminans (PMID: 2437584, 24122877, 26250584, 28607330). This variant is present in population databases (rs121918141, gnomAD 0.0009%). This sequence change creates a premature translational stop signal (p.Arg348*) in the PROC gene. While this is not anticipated to result in nonsense mediated decay, it is expected to disrupt the last 114 amino acid(s) of the PROC protein.

OMIM
Classification: Pathogenic for THROMBOPHILIA DUE TO PROTEIN C DEFICIENCY, AUTOSOMAL DOMINANT. Last evaluated: 1992-08-01. Review status: no assertion criteria provided. Collection method: literature only. Allele origin: germline. Not counted in ClinVar's aggregate classification.

Diagnostic Laboratory, Department of Genetics, University Medical Center Groningen
Classification: Pathogenic. Review status: no assertion criteria provided. Collection method: clinical testing. Allele origin: germline. Affected: yes. Study: VKGL Data-share Consensus. Not counted in ClinVar's aggregate classification.

Joint Genome Diagnostic Labs from Nijmegen and Maastricht, Radboudumc and MUMC+
Classification: Pathogenic. Review status: no assertion criteria provided. Collection method: clinical testing. Allele origin: germline. Affected: yes. Study: VKGL Data-share Consensus. Not counted in ClinVar's aggregate classification.

Literature cited by the submitters: PubMed 7670104 (cited by Labcorp Genetics (formerly Invitae), Labcorp); PubMed 25039884 (cited by Labcorp Genetics (formerly Invitae), Labcorp); PubMed 29356699 (cited by Labcorp Genetics (formerly Invitae), Labcorp); PubMed 2437584 (cited by Labcorp Genetics (formerly Invitae), Labcorp and OMIM); PubMed 24122877 (cited by Labcorp Genetics (formerly Invitae), Labcorp); PubMed 26250584 (cited by Labcorp Genetics (formerly Invitae), Labcorp); PubMed 28607330 (cited by Labcorp Genetics (formerly Invitae), Labcorp); PubMed 1511989 (cited by OMIM).

NM_000312.4(PROC):c.1042C>T (p.Arg348Ter)

Gene: PROC (protein C, inactivator of coagulation factors Va and VIIIa; plus strand). Cytogenetic location: 2q14.3.
Variant type: single nucleotide variant.
Coding change: c.1042C>T on transcript NM_000312.4 (MANE Select); coding-DNA position 1042, C replaced by T.
Protein change: p.Arg348Ter; replaces arginine 348 with a stop codon.
Molecular consequence: nonsense.
Genome position (GRCh38, 1-based): chr2:127,428,602, C>T. VCF-style: chr2-127428602-C-T. GRCh37 (hg19) VCF-style: chr2-128186178-C-T.
Other names: R306*; c.1225C>T, p.Arg409Ter (NM_001375602.1); c.1207C>T, p.Arg403Ter (NM_001375603.1); c.1105C>T, p.Arg369Ter (NM_001375604.1); c.1144C>T, p.Arg382Ter (NM_001375605.1); c.1210C>T, p.Arg404Ter (NM_001375606.1); c.1228C>T, p.Arg410Ter (NM_001375607.1); c.985C>T, p.Arg329Ter (NM_001375608.1); and 3 more; short protein forms R348*, R329*, R340*, R346*, R369*, R382*, R403*, R404*.
Identifiers: ClinVar variation 656 (VCV000000656.10), dbSNP rs121918141, ClinGen allele CA114384.